The following is an entry in ClinVar:

ClinVar aggregate classification (germline): Uncertain significance (1 of 4 stars; one submission).

Submission:

Labcorp Genetics (formerly Invitae), Labcorp
Classification: Uncertain significance. Last evaluated: 2025-04-17. Review status: criteria provided, single submitter. Criteria: Invitae Variant Classification Sherloc (09022015). Collection method: clinical testing. Allele origin: germline.
Comment: This sequence change replaces leucine, which is neutral and non-polar, with phenylalanine, which is neutral and non-polar, at codon 13 of the RGS9BP protein (p.Leu13Phe). This variant is not present in population databases (gnomAD no frequency). This variant has not been reported in the literature in individuals affected with RGS9BP-related conditions. An algorithm developed to predict the effect of missense changes on protein structure and function (PolyPhen-2) suggests that this variant is likely to be tolerated. In summary, the available evidence is currently insufficient to determine the role of this variant in disease. Therefore, it has been classified as a Variant of Uncertain Significance.

NM_207391.3(RGS9BP):c.37C>T (p.Leu13Phe)

Gene: RGS9BP (regulator of G protein signaling 9 binding protein; plus strand). Cytogenetic location: 19q13.11.
Variant type: single nucleotide variant.
Coding change: c.37C>T on transcript NM_207391.3 (MANE Select); coding-DNA position 37, C replaced by T.
Protein change: p.Leu13Phe; replaces leucine 13 with phenylalanine.
Molecular consequence: missense variant.
Genome position (GRCh38, 1-based): chr19:32,676,300, C>T. VCF-style: chr19-32676300-C-T. GRCh37 (hg19) VCF-style: chr19-33167206-C-T.
Other names: short protein forms L13F.
Identifiers: ClinVar variation 4804833 (VCV004804833.1).